The following is an entry in ClinVar:

ClinVar aggregate classification (germline): Benign (1 of 4 stars; one submission).

Submission:

CeGaT Center for Human Genetics Tuebingen
Classification: Benign. Last evaluated: 2026-03-01. Review status: criteria provided, single submitter. Criteria: CeGaT Center For Human Genetics Tuebingen Variant Classification Criteria Version 2. Collection method: clinical testing. Allele origin: germline. Affected: yes. Observed: 1 variant allele.
Comment: SOX6: BS1, BS2

NM_001367873.1(SOX6):c.1732+4769GT[28]

Gene: SOX6 (SRY-box transcription factor 6; minus strand). Cytogenetic location: 11p15.2.
Variant type: Microsatellite.
Coding change: c.1732+4769GT[28] on transcript NM_001367873.1 (MANE Select); 28 copies in a row of the 2-base unit GT starting at c.1732+4769; the reference has 24 copies in a row; four copies, 8 bases duplicated.
Molecular consequence: intron variant.
Genome position (GRCh38, 1-based): chr11:16,010,126-16,010,133, ACACACAC duplicated on the plus strand (GTGTGTGT on the coding strand, the reverse complement: SOX6 is on the minus strand); duplicating any 8 consecutive bases within chr11:16,010,126-16,010,174 gives the same sequence; the position shown is the placement nearest the transcript's 3' end. VCF-style (leftmost placement, unchanged base first): chr11-16010125-T-TACACACAC. GRCh37 (hg19) VCF-style: chr11-16031671-T-TACACACAC.
Other names: c.1609+4769GT[28] (NM_001367872.1); c.1732+4769GT[28] (NM_033326.3, NM_001145819.2); c.1651+4769GT[28] (NM_001145811.2, NM_017508.3).
Identifiers: ClinVar variation 4874157 (VCV004874157.2).